The following is an entry in ClinVar:

ClinVar aggregate classification (germline): Benign (1 of 4 stars; one submission).

Conditions:
Platelet-type bleeding disorder 9 (BDPLT9). Also called: GLYCOPROTEIN Ia DEFICIENCY; GP Ia DEFICIENCY; COLLAGEN PLATELET RECEPTOR DEFICIENCY. Identifiers: Orphanet 73271, Orphanet 98886, MedGen C3280114, MONDO:0013622, OMIM 614200.

Allele frequency attached by ClinVar (database versions not stated): gnomAD 0.00011 and 0.00022; TOPMed 0.00055; 1000 Genomes Project 30x 0.00109; 1000 Genomes Project 0.00120.

Submission:

Illumina Laboratory Services, Illumina
Classification: Benign for Platelet-type bleeding disorder 9. Last evaluated: 2018-01-13. Review status: criteria provided, single submitter. Criteria: ICSL Variant Classification Criteria 13 December 2019. Collection method: clinical testing. Allele origin: germline.
Comment: This variant was observed in the ICSL laboratory as part of a predisposition screen in an ostensibly healthy population. It had not been previously curated by ICSL or reported in the Human Gene Mutation Database (HGMD: prior to June 1st, 2018), and was therefore a candidate for classification through an automated scoring system. Utilizing variant allele frequency, disease prevalence and penetrance estimates, and inheritance mode, an automated score was calculated to assess if this variant is too frequent to cause the disease. Based on the score and internal cut-off values, a variant classified as benign is not then subjected to further curation. The score for this variant resulted in a classification of benign for this disease.

NM_002203.4(ITGA2):c.*1915G>A

Gene: ITGA2 (integrin subunit alpha 2; plus strand). Cytogenetic location: 5q11.2.
Variant type: single nucleotide variant.
Coding change: c.*1915G>A on transcript NM_002203.4 (MANE Select); 1915 bases downstream of the stop codon, G replaced by A.
Molecular consequence: 3 prime UTR variant. On other transcripts: non-coding transcript variant (5).
Genome position (GRCh38, 1-based): chr5:53,092,514, G>A. VCF-style: chr5-53092514-G-A. GRCh37 (hg19) VCF-style: chr5-52388344-G-A.
Identifiers: ClinVar variation 906006 (VCV000906006.4), dbSNP rs140728831, ClinGen allele CA118880875.